The following is an entry in ClinVar:

ClinVar aggregate classification (germline): Benign. Review status: reviewed by expert panel (3 of 4 stars). 2 submissions from 2 submitters: Benign (1). 1 of the submissions does not count toward it. Last evaluated 2015-01-12.

Conditions:
Breast-ovarian cancer, familial, susceptibility to, 2 (BROVCA2). Also called: BRCA2 Hereditary Breast and Ovarian Cancer. Identifiers: Orphanet 145, MedGen C2675520, MONDO:0012933, OMIM 612555. Disease mechanism: loss of function.

Allele frequency attached by ClinVar (database versions not stated): 1000 Genomes Project 30x 0.97299; 1000 Genomes Project 0.97424; TOPMed 0.97613; gnomAD 0.97994.
gnomAD v4.1: 149,100 of 152,344 alleles (98%); highest among the groups gnomAD compares: East Asian, 100%; 73,044 homozygotes.

Submissions (2):

Evidence-based Network for the Interpretation of Germline Mutant Alleles (ENIGMA)
Classification: Benign for Breast-ovarian cancer, familial 2. Last evaluated: 2015-01-12. Review status: reviewed by expert panel. Criteria: ENIGMA BRCA1/2 Classification Criteria (2015). Collection method: curation. Allele origin: germline.
Comment: Class 1 not pathogenic based on frequency >1% in an outbred sampleset. Frequency 0.8902 (African), derived from 1000 genomes (2012-04-30).

Breakthrough Genomics
Classification: Benign. Review status: criteria provided, single submitter. Criteria: ACMG Guidelines, 2015. Collection method: not provided. Allele origin: germline. Inheritance: Autosomal recessive inheritance. Affected: yes. Not counted in ClinVar's aggregate classification.

NM_000059.4(BRCA2):c.316+1915G>C

Gene: BRCA2 (BRCA2 DNA repair associated; plus strand). Cytogenetic location: 13q13.1.
Variant type: single nucleotide variant.
Coding change: c.316+1915G>C on transcript NM_000059.4 (MANE Select); 1915 bases into the intron after coding-DNA position 316, G replaced by C.
Molecular consequence: intron variant.
Genome position (GRCh38, 1-based): chr13:32,321,240, G>C. VCF-style: chr13-32321240-G-C. GRCh37 (hg19) VCF-style: chr13-32895377-G-C.
Other names: IVS 3+1915G>C.
Identifiers: ClinVar variation 209934 (VCV000209934.2), dbSNP rs206123, ClinGen allele CA276901.